The following is an entry in ClinVar:

ClinVar aggregate classification (germline): Uncertain significance (1 of 4 stars; one submission).

Allele frequency attached by ClinVar (database versions not stated): gnomAD exomes below 0.00001 and 0.00001; ExAC 0.00002.

Submission:

GeneDx
Classification: Uncertain significance. Last evaluated: 2017-04-13. Review status: criteria provided, single submitter. Criteria: GeneDx Variant Classification (06012015). Collection method: clinical testing. Allele origin: germline. Affected: yes.
Comment: The S155C variant in the FGF23 gene has not been reported previously as a pathogenic variant, nor as a benign variant, to our knowledge. The S155C variant is observed in 2/16508 (0.012%) alleles from individuals of South Asian background in the ExAC dataset (Lek et al., 2016). The S155C variant is a non-conservative amino acid substitution, which is likely to impact secondary protein structure as these residues differ in polarity, charge, size and/or other properties. This substitution occurs at a position that is not conserved across species, however, in silico analysis predicts this variant is probably damaging to the protein structure/function. We interpret S155C as a variant of uncertain significance.

NM_020638.3(FGF23):c.464C>G (p.Ser155Cys)

Gene: FGF23 (fibroblast growth factor 23; minus strand). Cytogenetic location: 12p13.32.
Variant type: single nucleotide variant.
Coding change: c.464C>G on transcript NM_020638.3 (MANE Select); coding-DNA position 464, C replaced by G.
Protein change: p.Ser155Cys; replaces serine 155 with cysteine.
Molecular consequence: missense variant.
Genome position (GRCh38, 1-based): chr12:4,370,635, G>C on the plus strand (C>G on the coding strand, the complement: FGF23 is on the minus strand). VCF-style: chr12-4370635-G-C. GRCh37 (hg19) VCF-style: chr12-4479801-G-C.
Other names: short protein forms S155C.
Identifiers: ClinVar variation 426533 (VCV000426533.2), dbSNP rs749238943, ClinGen allele CA6395677.
Genomic context (GRCh38, chr12:4,370,635, plus strand): 5'-CGTGGTATGGGGGTGTTGAAGTGAATTAGGGGGATCTCGTTCCTCCGGGACAGGAACTGG[G>C]AGTACGGGGGTGGGTTCATGCCTGGCAGGAAGGCTCTCTTCGCCCGGCCCAGACTGACCA-3'
Protein context (NP_065689.1, residues 145-165): FLPGMNPPPY[Ser155Cys]QFLSRRNEIP